The following is an entry in ClinVar:

NM_000077.5(CDKN2A):c.382C>T (p.Arg128Trp)

Gene: CDKN2A (cyclin dependent kinase inhibitor 2A; minus strand). Cytogenetic location: 9p21.3.
Variant type: single nucleotide variant.
Coding change: c.382C>T on transcript NM_000077.5; coding-DNA position 382, C replaced by T.
Protein change: p.Arg128Trp; replaces arginine 128 with tryptophan.
Molecular consequence: missense variant (on NM_000077.6). On other transcripts: 3 prime UTR variant (2).
Genome position (GRCh38, 1-based): chr9:21,970,977, G>A on the plus strand (C>T on the coding strand, the complement: CDKN2A is on the minus strand). VCF-style: chr9-21970977-G-A. GRCh37 (hg19) VCF-style: chr9-21970976-G-A.
Other names: c.382C>T, p.Arg128Trp (NM_000077.6, NM_001195132.2); c.229C>T, p.Arg77Trp (NM_001363763.2); c.*26C>T (NM_058195.4); c.*305C>T (NM_058197.5); short protein forms R128W, R77W.
Identifiers: ClinVar variation 575361 (VCV000575361.19), dbSNP rs1563888826, ClinGen allele CA373085947.

ClinVar aggregate classification (germline): Uncertain significance. Review status: criteria provided, multiple submitters, no conflicts (2 of 4 stars). 3 submissions from 3 submitters: Uncertain significance (3). Last evaluated 2024-07-23.

Conditions:
Hereditary cancer-predisposing syndrome. Also called: Hereditary neoplastic syndrome; Neoplastic Syndromes, Hereditary; Hereditary Cancer Syndrome; Tumor predisposition. Identifiers: Orphanet 140162, MedGen C0027672, MeSH D009386, MONDO:0015356.
Familial melanoma. Also called: Hereditary melanoma; Hereditary cutaneous melanoma. Identifiers: Orphanet 618, MedGen C1512419, MONDO:0018961.

Submissions (3):

Ambry Genetics
Classification: Uncertain significance for Hereditary cancer-predisposing syndrome. Last evaluated: 2024-07-23. Review status: criteria provided, single submitter. Criteria: Ambry Variant Classification Scheme 2023. Collection method: clinical testing. Allele origin: germline.
Comment: The p.R128W variant (also known as c.382C>T), located in coding exon 2 of the CDKN2A gene, results from a C to T substitution at nucleotide position 382. The arginine at codon 128 is replaced by tryptophan, an amino acid with dissimilar properties. This amino acid position is poorly conserved in available vertebrate species. In addition, this alteration is predicted to be tolerated by in silico analysis. Based on the available evidence, the clinical significance of this variant remains unclear.

Labcorp Genetics (formerly Invitae), Labcorp
Classification: Uncertain significance for Familial melanoma. Last evaluated: 2023-12-07. Review status: criteria provided, single submitter. Criteria: Invitae Variant Classification Sherloc (09022015). Collection method: clinical testing. Allele origin: germline.
Comment: This sequence change replaces arginine, which is basic and polar, with tryptophan, which is neutral and slightly polar, at codon 128 of the CDKN2A (p16INK4a) protein (p.Arg128Trp). This variant is not present in population databases (gnomAD no frequency). This variant has not been reported in the literature in individuals affected with CDKN2A (p16INK4a)-related conditions. ClinVar contains an entry for this variant (Variation ID: 575361). An algorithm developed to predict the effect of missense changes on protein structure and function (PolyPhen-2) suggests that this variant is likely to be tolerated. Experimental studies have shown that this missense change affects CDKN2A (p16INK4a) function (PMID: 24163379). In summary, the available evidence is currently insufficient to determine the role of this variant in disease. Therefore, it has been classified as a Variant of Uncertain Significance.

Color Diagnostics, LLC DBA Color Health
Classification: Uncertain significance for Hereditary cancer-predisposing syndrome. Last evaluated: 2018-12-23. Review status: criteria provided, single submitter. Criteria: ACMG Guidelines, 2015. Collection method: clinical testing. Allele origin: germline.

Literature cited by the submitters: PubMed 9053859 (cited by Ambry Genetics); PubMed 24163379 (cited by Labcorp Genetics (formerly Invitae), Labcorp).